The following is an entry in ClinVar:

NM_004370.6(COL12A1):c.5138A>G (p.Asn1713Ser)

Gene: COL12A1 (collagen type XII alpha 1 chain; minus strand). Cytogenetic location: 6q13.
Variant type: single nucleotide variant.
Coding change: c.5138A>G on transcript NM_004370.6 (MANE Select); coding-DNA position 5138, A replaced by G.
Protein change: p.Asn1713Ser; replaces asparagine 1713 with serine.
Molecular consequence: missense variant.
Genome position (GRCh38, 1-based): chr6:75,138,540, T>C on the plus strand (A>G on the coding strand, the complement: COL12A1 is on the minus strand). VCF-style: chr6-75138540-T-C. GRCh37 (hg19) VCF-style: chr6-75848256-T-C.
Other names: c.1646A>G, p.Asn549Ser (NM_080645.3); short protein forms N549S, N1713S.
Identifiers: ClinVar variation 645941 (VCV000645941.16), dbSNP rs373020081, ClinGen allele CA3893240.

ClinVar aggregate classification (germline): Conflicting classifications of pathogenicity. Review status: criteria provided, conflicting classifications (1 of 4 stars). 5 submissions from 5 submitters: Uncertain significance (4); Likely benign (1). Last evaluated 2026-02-19.

Conditions:
Ullrich congenital muscular dystrophy 2 (UCMD2). Identifiers: Orphanet 75840, MedGen C4225314, MONDO:0014654, OMIM 616470.
Bethlem myopathy 2 (BTHLM2). Identifiers: Orphanet 536516, Orphanet 610, MedGen C4225313, MONDO:0034022, OMIM 616471.
Inborn genetic diseases. Identifiers: MedGen C0950123, MeSH D030342.

Allele frequency attached by ClinVar (database versions not stated): ExAC 0.00002; gnomAD exomes 0.00003; gnomAD 0.00004; TOPMed 0.00009; ESP Exome Variant Server 0.00016.
gnomAD v4.1: 49 of 1,613,850 alleles (0.003%); highest among the groups gnomAD compares: Admixed American, 0.015%; no homozygotes.

Submissions (5):

Women's Health and Genetics/Laboratory Corporation of America, LabCorp
Classification: Uncertain significance. Last evaluated: 2026-02-19. Review status: criteria provided, single submitter. Criteria: LabCorp Variant Classification Summary - May 2015. Collection method: clinical testing. Allele origin: germline.
Comment: Variant summary: COL12A1 c.5138A>G (p.Asn1713Ser) results in a conservative amino acid change in the encoded protein sequence. Algorithms developed to predict the effect of missense changes on protein structure and function are either unavailable or do not agree on the potential impact of this missense change. The variant allele was found at a frequency of 2.8e-05 in 248842 control chromosomes. The available data on variant occurrences in the general population are insufficient to allow any conclusion about variant significance. To our knowledge, no occurrence of c.5138A>G in individuals affected with COL12A1-related conditions and no experimental evidence demonstrating its impact on protein function have been reported. ClinVar contains an entry for this variant (Variation ID: 645941). Based on the evidence outlined above, the variant was classified as uncertain significance.

Labcorp Genetics (formerly Invitae), Labcorp
Classification: Likely benign for Bethlem myopathy 2; Ullrich congenital muscular dystrophy 2. Last evaluated: 2025-12-05. Review status: criteria provided, single submitter. Criteria: Invitae Variant Classification Sherloc (09022015). Collection method: clinical testing. Allele origin: germline.

GeneDx
Classification: Uncertain significance. Last evaluated: 2025-01-22. Review status: criteria provided, single submitter. Criteria: GeneDx Variant Classification Process June 2021. Collection method: clinical testing. Allele origin: germline. Affected: yes.
Comment: Has not been previously published as pathogenic or benign to our knowledge; In silico analysis indicates that this missense variant does not alter protein structure/function

Ambry Genetics
Classification: Uncertain significance for Inborn genetic diseases. Last evaluated: 2024-07-16. Review status: criteria provided, single submitter. Criteria: Ambry Variant Classification Scheme 2023. Collection method: clinical testing. Allele origin: germline.

Revvity Omics, Revvity
Classification: Uncertain significance. Last evaluated: 2024-05-22. Review status: criteria provided, single submitter. Criteria: ACMG Guidelines, 2015. Collection method: clinical testing. Allele origin: germline.